The following is an entry in ClinVar:

NM_000282.4(PCCA):c.2005G>C (p.Val669Leu)

Gene: PCCA (propionyl-CoA carboxylase subunit alpha; plus strand). Cytogenetic location: 13q32.3.
Variant type: single nucleotide variant.
Coding change: c.2005G>C on transcript NM_000282.4 (MANE Select); coding-DNA position 2005, G replaced by C.
Protein change: p.Val669Leu; replaces valine 669 with leucine.
Molecular consequence: missense variant. On other transcripts: non-coding transcript variant (4), intron variant (2).
Genome position (GRCh38, 1-based): chr13:100,515,532, G>C. VCF-style: chr13-100515532-G-C. GRCh37 (hg19) VCF-style: chr13-101167786-G-C.
Other names: c.1927G>C, p.Val643Leu (NM_001127692.3); c.1951G>C, p.Val651Leu (NM_001352605.2); c.1861G>C, p.Val621Leu (NM_001352606.2); c.1783G>C, p.Val595Leu (NM_001352608.2); c.1060G>C, p.Val354Leu (NM_001352610.2); c.1006G>C, p.Val336Leu (NM_001352611.2); c.916G>C, p.Val306Leu (NM_001352612.2); c.1900-12143G>C (NM_001178004.2); and 1 more; short protein forms V595L, V621L, V336L, V354L, V643L, V651L, V669L, V306L.
Identifiers: ClinVar variation 2167560 (VCV002167560.1), dbSNP rs771947396, ClinGen allele CA7033867.

ClinVar aggregate classification (germline): Uncertain significance (1 of 4 stars; one submission).

Conditions:
Propionic acidemia (PROP). Also called: GLYCINEMIA, KETOTIC; HYPERGLYCINEMIA WITH KETOACIDOSIS AND LEUKOPENIA; KETOTIC HYPERGLYCINEMIA. Identifiers: Orphanet 35, MedGen C0268579, MONDO:0011628, OMIM 606054, HP:0003571.

Allele frequency attached by ClinVar (database versions not stated): ExAC 0.00002.
gnomAD v4.1: 5 of 1,614,122 alleles (0.00031%); highest among the groups gnomAD compares: East Asian, 0.011%; no homozygotes.

Submission:

Labcorp Genetics (formerly Invitae), Labcorp
Classification: Uncertain significance for Propionic acidemia. Last evaluated: 2021-09-02. Review status: criteria provided, single submitter. Criteria: Invitae Variant Classification Sherloc (09022015). Collection method: clinical testing. Allele origin: germline.
Comment: This sequence change replaces valine with leucine at codon 669 of the PCCA protein (p.Val669Leu). The valine residue is moderately conserved and there is a small physicochemical difference between valine and leucine. This variant is present in population databases (rs771947396, ExAC 0.02%). This variant has not been reported in the literature in individuals affected with PCCA-related conditions. Algorithms developed to predict the effect of missense changes on protein structure and function output the following: SIFT: "Tolerated"; PolyPhen-2: "Benign"; Align-GVGD: "Class C0". The leucine amino acid residue is found in multiple mammalian species, which suggests that this missense change does not adversely affect protein function. In summary, the available evidence is currently insufficient to determine the role of this variant in disease. Therefore, it has been classified as a Variant of Uncertain Significance.